The following is an entry in ClinVar:

NM_022489.4(INF2):c.2629C>T (p.Arg877Trp)

Gene: INF2 (inverted formin 2; plus strand). Cytogenetic location: 14q32.33.
Variant type: single nucleotide variant.
Coding change: c.2629C>T on transcript NM_022489.4 (MANE Select); coding-DNA position 2629, C replaced by T.
Protein change: p.Arg877Trp; replaces arginine 877 with tryptophan.
Molecular consequence: missense variant.
Genome position (GRCh38, 1-based): chr14:104,712,846, C>T. VCF-style: chr14-104712846-C-T. GRCh37 (hg19) VCF-style: chr14-105179183-C-T.
Other names: c.2629C>T, p.Arg877Trp (NM_001031714.4); short protein forms R877W.
Identifiers: ClinVar variation 846833 (VCV000846833.31), dbSNP rs762706488, ClinGen allele CA7373026.

ClinVar aggregate classification (germline): Conflicting classifications of pathogenicity. Review status: criteria provided, conflicting classifications (1 of 4 stars). 2 submissions from 2 submitters: Uncertain significance (1); Likely benign (1). Last evaluated 2026-07-01.

Conditions:
Focal segmental glomerulosclerosis 5 (FSGS5). Identifiers: Orphanet 656, MedGen C2750475, MONDO:0013191, OMIM 613237.
Charcot-Marie-Tooth disease dominant intermediate E. Also called: CHARCOT-MARIE-TOOTH NEUROPATHY WITH FOCAL SEGMENTAL GLOMERULONEPHRITIS. Identifiers: Orphanet 93114, MedGen C4302667, MONDO:0013758, OMIM 614455.

Allele frequency attached by ClinVar (database versions not stated): ExAC 0.00001; gnomAD exomes 0.00001 and 0.00003; TOPMed 0.00001.
gnomAD v4.1: 48 of 1,611,326 alleles (0.003%); highest among the groups gnomAD compares: Non-Finnish European, 0.0039%; no homozygotes.

Submissions (2):

CeGaT Center for Human Genetics Tuebingen
Classification: Uncertain significance. Last evaluated: 2026-07-01. Review status: criteria provided, single submitter. Criteria: CeGaT Center For Human Genetics Tuebingen Variant Classification Criteria Version 2. Collection method: clinical testing. Allele origin: germline. Affected: yes. Observed: 2 variant alleles.
Comment: INF2: PM2, BP4

Labcorp Genetics (formerly Invitae), Labcorp
Classification: Likely benign for Charcot-Marie-Tooth disease dominant intermediate E; Focal segmental glomerulosclerosis 5. Last evaluated: 2025-12-27. Review status: criteria provided, single submitter. Criteria: Invitae Variant Classification Sherloc (09022015). Collection method: clinical testing. Allele origin: germline.